The following is an entry in ClinVar:

NM_032043.3(BRIP1):c.1267G>C (p.Asp423His)

Gene: BRIP1 (BRCA1 interacting DNA helicase 1; minus strand). Cytogenetic location: 17q23.2.
Variant type: single nucleotide variant.
Coding change: c.1267G>C on transcript NM_032043.3 (MANE Select); coding-DNA position 1267, G replaced by C.
Protein change: p.Asp423His; replaces aspartic acid 423 with histidine.
Molecular consequence: missense variant.
Genome position (GRCh38, 1-based): chr17:61,799,173, C>G on the plus strand (G>C on the coding strand, the complement: BRIP1 is on the minus strand). VCF-style: chr17-61799173-C-G. GRCh37 (hg19) VCF-style: chr17-59876534-C-G.
Other names: short protein forms D423H.
Identifiers: ClinVar variation 1764485 (VCV001764485.6), dbSNP rs2077948671, ClinGen allele CA400483569.
Genomic context (GRCh38, chr17:61,799,173, plus strand): 5'-AGCACACAGCTCGTAGGGGTTCATGATCTTTCTTCCTTATATTATTGTTGACCATACTAT[C>G]TAGTTCATCCCGAGCAAACCGAAGCTGAACTTCTGTTACACTGTAACTTGCTGATTCCCG-3'
Protein context (NP_114432.2, residues 413-433): VQLRFARDEL[Asp423His]SMVNNNIRKK

ClinVar aggregate classification (germline): Uncertain significance. Review status: criteria provided, multiple submitters, no conflicts (2 of 4 stars). 2 submissions from 2 submitters: Uncertain significance (2). Last evaluated 2025-03-25.

Conditions:
Fanconi anemia complementation group J. Also called: BRIP1-Related Fanconi Anemia. Identifiers: Orphanet 84, MedGen C1836860, MONDO:0012187, OMIM 609054.
Familial cancer of breast. Also called: BREAST CANCER, FAMILIAL; Hereditary breast cancer; hereditary breast carcinoma. Identifiers: Orphanet 227535, MedGen C0346153, MONDO:0016419, OMIM 114480. Disease mechanism: loss of function.
Hereditary cancer-predisposing syndrome. Also called: Neoplastic Syndromes, Hereditary; Tumor predisposition; Hereditary neoplastic syndrome; Hereditary Cancer Syndrome. Identifiers: Orphanet 140162, MedGen C0027672, MeSH D009386, MONDO:0015356.

Allele frequency attached by ClinVar (database versions not stated): TOPMed below 0.00001.

Submissions (2):

Ambry Genetics
Classification: Uncertain significance for Hereditary cancer-predisposing syndrome. Last evaluated: 2025-03-25. Review status: criteria provided, single submitter. Criteria: Ambry Variant Classification Scheme 2023. Collection method: clinical testing. Allele origin: germline.
Comment: The p.D423H variant (also known as c.1267G>C), located in coding exon 8 of the BRIP1 gene, results from a G to C substitution at nucleotide position 1267. The aspartic acid at codon 423 is replaced by histidine, an amino acid with similar properties. This amino acid position is highly conserved in available vertebrate species. In addition, the in silico prediction for this alteration is inconclusive. Since supporting evidence is limited at this time, the clinical significance of this alteration remains unclear.

Labcorp Genetics (formerly Invitae), Labcorp
Classification: Uncertain significance for Familial cancer of breast; Fanconi anemia complementation group J. Last evaluated: 2024-10-15. Review status: criteria provided, single submitter. Criteria: Invitae Variant Classification Sherloc (09022015). Collection method: clinical testing. Allele origin: germline.
Comment: This sequence change replaces aspartic acid, which is acidic and polar, with histidine, which is basic and polar, at codon 423 of the BRIP1 protein (p.Asp423His). This variant is not present in population databases (gnomAD no frequency). This variant has not been reported in the literature in individuals affected with BRIP1-related conditions. ClinVar contains an entry for this variant (Variation ID: 1764485). Invitae Evidence Modeling of protein sequence and biophysical properties (such as structural, functional, and spatial information, amino acid conservation, physicochemical variation, residue mobility, and thermodynamic stability) has been performed for this missense variant. However, the output from this modeling did not meet the statistical confidence thresholds required to predict the impact of this variant on BRIP1 protein function. In summary, the available evidence is currently insufficient to determine the role of this variant in disease. Therefore, it has been classified as a Variant of Uncertain Significance.